The following is an entry in ClinVar:

NM_004415.4(DSP):c.7470T>C (p.Tyr2490=)

Gene: DSP (desmoplakin; plus strand). Cytogenetic location: 6p24.3.
Variant type: single nucleotide variant.
Coding change: c.7470T>C on transcript NM_004415.4 (MANE Select); coding-DNA position 7470, T replaced by C.
Protein change: p.Tyr2490=; no amino-acid change (tyrosine 2490 retained).
Molecular consequence: synonymous variant.
Genome position (GRCh38, 1-based): chr6:7,584,732, T>C. VCF-style: chr6-7584732-T-C. GRCh37 (hg19) VCF-style: chr6-7584965-T-C.
Other names: c.5673T>C, p.Tyr1891= (NM_001008844.3); c.6141T>C, p.Tyr2047= (NM_001319034.2).
Identifiers: ClinVar variation 920934 (VCV000920934.9), dbSNP rs372896350, ClinGen allele CA133975989.

ClinVar aggregate classification (germline): Likely benign. Review status: criteria provided, multiple submitters, no conflicts (2 of 4 stars). 4 submissions from 4 submitters: Likely benign (4). Last evaluated 2025-04-14.

Conditions:
Cardiovascular phenotype. Identifiers: MedGen CN230736.
Arrhythmogenic cardiomyopathy with wooly hair and keratoderma. Also called: PALMOPLANTAR KERATODERMA WITH LEFT VENTRICULAR CARDIOMYOPATHY AND WOOLLY HAIR; Carvajal syndrome; Dilated cardiomyopathy with woolly hair and keratoderma; Arrhythmogenic cardiomyopathy with woolly hair and keratoderma. Identifiers: Orphanet 65282, MedGen C1854063, MONDO:0011581, OMIM 605676.
Arrhythmogenic right ventricular dysplasia 8 (ARVD8). Also called: Arrhythmogenic Right Ventricular Dysplasia/Cardiomyopathy 8; ARRHYTHMOGENIC RIGHT VENTRICULAR DYSPLASIA, FAMILIAL, 8; ARRHYTHMOGENIC RIGHT VENTRICULAR CARDIOMYOPATHY 8. Identifiers: MedGen C1843896, MONDO:0011831, OMIM 607450.
Cardiomyopathy (CMYO). Also called: Cardiomyopathies. Identifiers: Orphanet 167848, MedGen C0878544, MONDO:0004994, HP:0001638. Inheritance: Various modes of inheritance.

Allele frequency attached by ClinVar (database versions not stated): gnomAD exomes below 0.00001 and 0.00001; gnomAD 0.00001; TOPMed 0.00001; ESP Exome Variant Server 0.00008.
gnomAD v4.1: 17 of 1,614,100 alleles (0.0011%); highest among the groups gnomAD compares: Non-Finnish European, 0.0014%; no homozygotes.

Submissions (4):

Ambry Genetics
Classification: Likely benign for Cardiovascular phenotype. Last evaluated: 2025-04-14. Review status: criteria provided, single submitter. Criteria: Ambry Variant Classification Scheme 2023. Collection method: clinical testing. Allele origin: germline.

All of Us Research Program, National Institutes of Health
Classification: Likely benign for Arrhythmogenic cardiomyopathy with wooly hair and keratoderma. Last evaluated: 2023-07-22. Review status: criteria provided, single submitter. Criteria: ACMG Guidelines, 2015. Collection method: clinical testing. Allele origin: germline. Inheritance: Autosomal dominant inheritance. Observed: 1 variant allele, 1 heterozygote.
Comment: This study involves interpretation of variants in research participants for the purpose of population health screening. Participant phenotype was not available at the time of variant classification. Additional details can be found in publication PMID: 35346344, PMCID: PMC8962531

Labcorp Genetics (formerly Invitae), Labcorp
Classification: Likely benign for Arrhythmogenic cardiomyopathy with wooly hair and keratoderma; Arrhythmogenic right ventricular dysplasia 8. Last evaluated: 2022-03-17. Review status: criteria provided, single submitter. Criteria: Invitae Variant Classification Sherloc (09022015). Collection method: clinical testing. Allele origin: germline.

Color Diagnostics, LLC DBA Color Health
Classification: Likely benign for Cardiomyopathy. Last evaluated: 2020-01-29. Review status: criteria provided, single submitter. Criteria: ACMG Guidelines, 2015. Collection method: clinical testing. Allele origin: germline.